The following is an entry in ClinVar:

ClinVar aggregate classification (germline): Uncertain significance. Review status: criteria provided, multiple submitters, no conflicts (2 of 4 stars). 2 submissions from 2 submitters: Uncertain significance (2). Last evaluated 2025-10-20.

Conditions:
Hereditary cancer-predisposing syndrome. Also called: Hereditary neoplastic syndrome; Neoplastic Syndromes, Hereditary; Tumor predisposition; Hereditary Cancer Syndrome. Identifiers: Orphanet 140162, MedGen C0027672, MeSH D009386, MONDO:0015356.
Fanconi anemia complementation group J. Also called: BRIP1-Related Fanconi Anemia. Identifiers: Orphanet 84, MedGen C1836860, MONDO:0012187, OMIM 609054.
Familial cancer of breast. Also called: BREAST CANCER, FAMILIAL; hereditary breast carcinoma; Hereditary breast cancer. Identifiers: Orphanet 227535, MedGen C0346153, MONDO:0016419, OMIM 114480. Disease mechanism: loss of function.

Submissions (2):

Labcorp Genetics (formerly Invitae), Labcorp
Classification: Uncertain significance for Familial cancer of breast; Fanconi anemia complementation group J. Last evaluated: 2025-10-20. Review status: criteria provided, single submitter. Criteria: Invitae Variant Classification Sherloc (09022015). Collection method: clinical testing. Allele origin: germline.
Comment: This sequence change replaces glutamic acid, which is acidic and polar, with aspartic acid, which is acidic and polar, at codon 726 of the BRIP1 protein (p.Glu726Asp). This variant is not present in population databases (gnomAD no frequency). This variant has not been reported in the literature in individuals affected with BRIP1-related conditions. ClinVar contains an entry for this variant (Variation ID: 461097). Invitae Evidence Modeling of protein sequence and biophysical properties (such as structural, functional, and spatial information, amino acid conservation, physicochemical variation, residue mobility, and thermodynamic stability) indicates that this missense variant is expected to disrupt BRIP1 protein function with a positive predictive value of 95%. In summary, the available evidence is currently insufficient to determine the role of this variant in disease. Therefore, it has been classified as a Variant of Uncertain Significance.

Ambry Genetics
Classification: Uncertain significance for Hereditary cancer-predisposing syndrome. Last evaluated: 2021-06-16. Review status: criteria provided, single submitter. Criteria: Ambry Variant Classification Scheme 2023. Collection method: clinical testing. Allele origin: germline.
Comment: The p.E726D variant (also known as c.2178A>C), located in coding exon 14 of the BRIP1 gene, results from an A to C substitution at nucleotide position 2178. The glutamic acid at codon 726 is replaced by aspartic acid, an amino acid with highly similar properties. This amino acid position is highly conserved in available vertebrate species. In addition, this alteration is predicted to be deleterious by in silico analysis. Since supporting evidence is limited at this time, the clinical significance of this alteration remains unclear.

NM_032043.3(BRIP1):c.2178A>C (p.Glu726Asp)

Gene: BRIP1 (BRCA1 interacting DNA helicase 1; minus strand). Cytogenetic location: 17q23.2.
Variant type: single nucleotide variant.
Coding change: c.2178A>C on transcript NM_032043.3 (MANE Select); coding-DNA position 2178, A replaced by C.
Protein change: p.Glu726Asp; replaces glutamic acid 726 with aspartic acid.
Molecular consequence: missense variant.
Genome position (GRCh38, 1-based): chr17:61,744,511, T>G on the plus strand (A>C on the coding strand, the complement: BRIP1 is on the minus strand). VCF-style: chr17-61744511-T-G. GRCh37 (hg19) VCF-style: chr17-59821872-T-G.
Other names: short protein forms E726D.
Identifiers: ClinVar variation 461097 (VCV000461097.14), dbSNP rs1555591425, ClinGen allele CA400483087.